The following is an entry in ClinVar:

NM_000091.5(COL4A3):c.1138C>T (p.Pro380Ser)

Genes: COL4A3 (collagen type IV alpha 3 chain; plus strand), MFF-DT (MFF divergent transcript; minus strand). Cytogenetic location: 2q36.3.
Variant type: single nucleotide variant.
Coding change: c.1138C>T on transcript NM_000091.5 (MANE Select); coding-DNA position 1138, C replaced by T.
Protein change: p.Pro380Ser; replaces proline 380 with serine.
Molecular consequence: missense variant.
Genome position (GRCh38, 1-based): chr2:227,261,105, C>T. VCF-style: chr2-227261105-C-T. GRCh37 (hg19) VCF-style: chr2-228125821-C-T.
Other names: short protein forms P380S.
Identifiers: ClinVar variation 4848137 (VCV004848137.2).

ClinVar aggregate classification (germline): Uncertain significance. Review status: criteria provided, multiple submitters, no conflicts (2 of 4 stars). 2 submissions from 2 submitters: Uncertain significance (2). Last evaluated 2026-02-02.

gnomAD v4.1: 3 of 1,611,662 alleles (0.00019%); highest among the groups gnomAD compares: Non-Finnish European, 0.00025%; no homozygotes.

Submissions (2):

Women's Health and Genetics/Laboratory Corporation of America, LabCorp
Classification: Uncertain significance. Last evaluated: 2026-02-02. Review status: criteria provided, single submitter. Criteria: LabCorp Variant Classification Summary - May 2015. Collection method: clinical testing. Allele origin: germline.
Comment: Variant summary: COL4A3 c.1138C>T (p.Pro380Ser) results in a non-conservative amino acid change in the encoded protein sequence. Algorithms developed to predict the effect of missense changes on protein structure and function are either unavailable or do not agree on the potential impact of this missense change. The variant allele was found at a frequency of 8e-06 in 249256 control chromosomes. The available data on variant occurrences in the general population are insufficient to allow any conclusion about variant significance. To our knowledge, no occurrence of c.1138C>T in individuals affected with COL4A3-related conditions and no experimental evidence demonstrating its impact on protein function have been reported. No submitters have cited clinical-significance assessments for this variant to ClinVar. Based on the evidence outlined above, the variant was classified as uncertain significance.

Blueprint Genetics
Classification: Uncertain significance. Last evaluated: 2023-05-26. Review status: criteria provided, single submitter. Criteria: ACMG Guidelines, 2015. Collection method: clinical testing. Allele origin: germline.